The following is an entry in ClinVar:

NM_001384140.1(PCDH15):c.2581G>A (p.Val861Met)

Gene: PCDH15 (protocadherin related 15; minus strand). Cytogenetic location: 10q21.1.
Variant type: single nucleotide variant.
Coding change: c.2581G>A on transcript NM_001384140.1 (MANE Select); coding-DNA position 2581, G replaced by A.
Protein change: p.Val861Met; replaces valine 861 with methionine.
Molecular consequence: missense variant.
Genome position (GRCh38, 1-based): chr10:54,020,362, C>T on the plus strand (G>A on the coding strand, the complement: PCDH15 is on the minus strand). VCF-style: chr10-54020362-C-T. GRCh37 (hg19) VCF-style: chr10-55780122-C-T.
Other names: c.2596G>A, p.Val866Met (NM_001142763.2, NM_001142771.2); c.2581G>A, p.Val861Met (NM_001142764.2, NM_001142766.2, NM_001142770.3 and 5 more transcripts); c.2368G>A, p.Val790Met (NM_001142765.2); c.2470G>A, p.Val824Met (NM_001142767.2); c.2515G>A, p.Val839Met (NM_001142768.2, NM_001142773.2, NM_001354404.2); c.2617G>A, p.Val873Met (NM_001142769.4); c.2602G>A, p.Val868Met (NM_001354411.2); short protein forms V861M, V790M, V824M, V873M, V868M, V866M, V839M.
Identifiers: ClinVar variation 300188 (VCV000300188.29), dbSNP rs142512524, ClinGen allele CA5505978.
Genomic context (GRCh38, chr10:54,020,362, plus strand): 5'-CTAAACTCCTTAAAAGCGATAGTTCTCCTGTAAATGGATGTAGTGCAAAAAAGTGCTTCA[C>T]TTCTGGGCTTCTTATCCGGTAAGACACATTTGCTCCAAGGTCGACATCTTTGGCCTGTAA-3'
Protein context (NP_001371069.1, residues 851-871): NVSYRIRSPE[Val861Met]KHFFALHPFT

ClinVar aggregate classification (germline): Conflicting classifications of pathogenicity. Review status: criteria provided, conflicting classifications (1 of 4 stars). 13 submissions from 12 submitters: Uncertain significance (8); Likely benign (2). 3 of the submissions do not count toward it. Last evaluated 2026-05-04.

Conditions:
PCDH15-related disorder. Also called: PCDH15-related condition; PCDH15-related disorders.
Usher syndrome type 1F (USH1F). Also called: USHER SYNDROME, TYPE IF. Identifiers: Orphanet 231169, Orphanet 886, MedGen C1865885, MONDO:0011186, OMIM 602083.
Autosomal recessive nonsyndromic hearing loss 23. Identifiers: Orphanet 90636, MedGen C1836027, MONDO:0012293, OMIM 609533.
Usher syndrome type 1D (USH1D). Also called: USHER SYNDROME, TYPE ID. Identifiers: Orphanet 231169, Orphanet 886, MedGen C1832845, MONDO:0010984, OMIM 601067.
Usher syndrome type 1 (USH1). Also called: RETINITIS PIGMENTOSA AND CONGENITAL DEAFNESS. Identifiers: Orphanet 231169, Orphanet 886, MedGen C1568247, MONDO:0010168, OMIM 276900.
Hearing impairment. Also called: Impaired Hearing. Identifiers: MedGen C1384666, MONDO:0005365, HP:0000365.

Allele frequency attached by ClinVar (database versions not stated): ESP Exome Variant Server 0.00038; 1000 Genomes Project 0.00040; 1000 Genomes Project 30x 0.00047; gnomAD 0.00051; ExAC 0.00058; gnomAD exomes 0.00068 and 0.00091; TOPMed 0.00079.
gnomAD v4.1: 1,386 of 1,613,858 alleles (0.086%); highest among the groups gnomAD compares: Admixed American, 0.13%; 2 homozygotes.

Submissions (13):

PreventionGenetics, part of Exact Sciences
Classification: Uncertain significance for PCDH15-related condition. Last evaluated: 2026-05-04. Review status: criteria provided, single submitter. Criteria: ACMG Guidelines, 2015. Collection method: clinical testing. Allele origin: germline.
Comment: The PCDH15 c.2581G>A variant is predicted to result in the amino acid substitution p.Val861Met. This variant has been reported along with a second PCDH15 variant in an individual with Usher Syndrome (Supplementary Table 1, Weisschuh et al. 2024. PubMed ID: 37734845). This variant has been reported in individuals with inherited retinal disease or hypercholesterolemia (Marmontel et al. 2020. PubMed ID: 33111339; Table S12, Diñeiro et al. 2020. PubMed ID: 32483926; Bujakowska et al. 2014. PubMed ID: 25468891); however, a second variant was not identified or additional genetic or patient-level information was not provided. This variant is reported in 0.13% of alleles in individuals of Latino descent in gnomAD. At this time, the clinical significance of this variant is uncertain due to the absence of conclusive functional and genetic evidence.

Labcorp Genetics (formerly Invitae), Labcorp
Classification: Likely benign. Last evaluated: 2026-01-29. Review status: criteria provided, single submitter. Criteria: Invitae Variant Classification Sherloc (09022015). Collection method: clinical testing. Allele origin: germline.

Blueprint Genetics
Classification: Likely benign. Last evaluated: 2024-11-15. Review status: criteria provided, single submitter. Criteria: ACMG Guidelines, 2015. Collection method: clinical testing. Allele origin: germline.

Revvity Omics, Revvity
Classification: Uncertain significance. Last evaluated: 2024-07-31. Review status: criteria provided, single submitter. Criteria: ACMG Guidelines, 2015. Collection method: clinical testing. Allele origin: germline.

Genome-Nilou Lab
Classification: Uncertain significance for Autosomal recessive nonsyndromic hearing loss 23. Last evaluated: 2021-07-14. Review status: criteria provided, single submitter. Criteria: ACMG Guidelines, 2015. Collection method: clinical testing. Allele origin: germline. Affected: no.

Genome-Nilou Lab
Classification: Uncertain significance for Usher syndrome type 1F. Last evaluated: 2021-07-14. Review status: criteria provided, single submitter. Criteria: ACMG Guidelines, 2015. Collection method: clinical testing. Allele origin: germline. Affected: no.

Department of Otolaryngology – Head & Neck Surgery, Cochlear Implant Center
Classification: Uncertain significance for Hearing impairment. Last evaluated: 2021-04-12. Review status: criteria provided, single submitter. Criteria: ClinGen HL ACMG Specifications v1. Collection method: clinical testing. Allele origin: germline. Affected: yes.
Comment: PM2_Supporting

Fulgent Genetics
Classification: Uncertain significance for Usher syndrome type 1D; Usher syndrome type 1F; Autosomal recessive nonsyndromic hearing loss 23. Last evaluated: 2018-10-31. Review status: criteria provided, single submitter. Criteria: ACMG Guidelines, 2015. Collection method: clinical testing. Allele origin: unknown.

Illumina Laboratory Services, Illumina
Classification: Uncertain significance for Usher syndrome type 1. Last evaluated: 2018-01-12. Review status: criteria provided, single submitter. Criteria: ICSL Variant Classification Criteria 13 December 2019. Collection method: clinical testing. Allele origin: germline.

Laboratory for Molecular Medicine, Mass General Brigham Personalized Medicine
Classification: Uncertain significance. Last evaluated: 2017-08-24. Review status: criteria provided, single submitter. Criteria: LMM Criteria. Collection method: clinical testing. Allele origin: germline. Observed: 1 variant allele.
Comment: The p.Val861Met variant in PCDH15 has been reported in the heterozygous state in one individual with Usher syndrome who did not carry a variant on the other all ele (Bujakowska 2014). It has also been identified in 0.09% (111/126546) of Euro pean chromosomes and 0.13% (46/34366) of Latino chromosomes by the Genome Aggreg ation Database (gnomAD; dbSNP rs142512524); th ough this frequency is not high enough to rule out a pathogenic role. Computatio nal prediction tools and conservation analysis do not provide strong support for or against an impact to the protein. In summary, the clinical significance of t he p.Val861Met variant is uncertain.

Natera, Inc.
Classification: Uncertain significance for Usher syndrome type 1F. Last evaluated: 2020-01-19. Review status: no assertion criteria provided. Collection method: clinical testing. Allele origin: germline. Not counted in ClinVar's aggregate classification.

Clinical Genetics DNA and cytogenetics Diagnostics Lab, Erasmus MC, Erasmus Medical Center
Classification: Uncertain significance. Review status: no assertion criteria provided. Collection method: clinical testing. Allele origin: germline. Affected: yes. Study: VKGL Data-share Consensus. Not counted in ClinVar's aggregate classification.

Clinical Genetics, Academic Medical Center
Classification: Uncertain significance. Review status: no assertion criteria provided. Collection method: clinical testing. Allele origin: germline. Affected: yes. Study: VKGL Data-share Consensus. Not counted in ClinVar's aggregate classification.

Literature cited by the submitters: PubMed 25468891 (cited by Laboratory for Molecular Medicine, Mass General Brigham Personalized Medicine).